The following is an entry in ClinVar:

NM_173569.4(UBN2):c.3722C>G (p.Thr1241Arg)

Gene: UBN2 (ubinuclein 2; plus strand). Cytogenetic location: 7q34.
Variant type: single nucleotide variant.
Coding change: c.3722C>G on transcript NM_173569.4 (MANE Select); coding-DNA position 3722, C replaced by G.
Protein change: p.Thr1241Arg; replaces threonine 1241 with arginine.
Molecular consequence: missense variant.
Genome position (GRCh38, 1-based): chr7:139,293,284, C>G. VCF-style: chr7-139293284-C-G. GRCh37 (hg19) VCF-style: chr7-138978030-C-G.
Other names: short protein forms T1241R.
Identifiers: ClinVar variation 4991633 (VCV004991633.1).

ClinVar aggregate classification (germline): Uncertain significance (1 of 4 stars; one submission).

Conditions:
UBN2-related disorder. Also called: UBN2-related condition.

Submission:

PreventionGenetics, part of Exact Sciences
Classification: Uncertain significance for UBN2-related condition. Last evaluated: 2025-10-17. Review status: criteria provided, single submitter. Criteria: ACMG Guidelines, 2015. Collection method: clinical testing. Allele origin: germline.
Comment: The UBN2 c.3722C>G variant is predicted to result in the amino acid substitution p.Thr1241Arg. To our knowledge, this variant has not been reported in the literature or in a large population database (gnomAD), indicating this variant is rare. At this time, the clinical significance of this variant is uncertain due to the absence of conclusive functional and genetic evidence.